The following is an entry in ClinVar:

NM_001367805.3(KIF23):c.2762G>A (p.Arg921Gln)

Gene: KIF23 (kinesin family member 23; plus strand). Cytogenetic location: 15q23.
Variant type: single nucleotide variant.
Coding change: c.2762G>A on transcript NM_001367805.3 (MANE Select); coding-DNA position 2762, G replaced by A.
Protein change: p.Arg921Gln; replaces arginine 921 with glutamine.
Molecular consequence: missense variant. On other transcripts: intron variant (1), non-coding transcript variant (2).
Genome position (GRCh38, 1-based): chr15:69,446,288, G>A. VCF-style: chr15-69446288-G-A. GRCh37 (hg19) VCF-style: chr15-69738627-G-A.
Other names: c.2714+197G>A (NM_001367804.2); c.2720G>A, p.Arg907Gln (NM_138555.4); c.2138G>A, p.Arg713Gln (NM_001281301.2); c.2408G>A, p.Arg803Gln (NM_004856.7); short protein forms R713Q, R803Q, R907Q, R921Q.
Identifiers: ClinVar variation 2636408 (VCV002636408.4), dbSNP rs550720473, ClinGen allele CA7635475.

ClinVar aggregate classification (germline): Uncertain significance. Review status: criteria provided, multiple submitters, no conflicts (2 of 4 stars). 2 submissions from 2 submitters: Uncertain significance (2). Last evaluated 2023-05-05.

Conditions:
KIF23-related disorder. Also called: KIF23-related condition.

Allele frequency attached by ClinVar (database versions not stated): ExAC 0.00001; gnomAD 0.00002; gnomAD exomes 0.00002; TOPMed 0.00002.
gnomAD v4.1: 38 of 1,613,772 alleles (0.0024%); highest among the groups gnomAD compares: Non-Finnish European, 0.0029%; no homozygotes.

Submissions (2):

PreventionGenetics, part of Exact Sciences
Classification: Uncertain significance for KIF23-related condition. Last evaluated: 2023-05-05. Review status: criteria provided, single submitter. Criteria: ACMG Guidelines, 2015. Collection method: clinical testing. Allele origin: germline.
Comment: The KIF23 c.2720G>A variant is predicted to result in the amino acid substitution p.Arg907Gln. To our knowledge, this variant has not been reported in the literature. This variant is reported in 0.0031% of alleles in individuals of European (Non-Finnish) descent in gnomAD. At this time, the clinical significance of this variant is uncertain due to the absence of conclusive functional and genetic evidence.

Labcorp Genetics (formerly Invitae), Labcorp
Classification: Uncertain significance. Last evaluated: 2023-02-11. Review status: criteria provided, single submitter. Criteria: Invitae Variant Classification Sherloc (09022015). Collection method: clinical testing. Allele origin: germline.
Comment: In summary, the available evidence is currently insufficient to determine the role of this variant in disease. Therefore, it has been classified as a Variant of Uncertain Significance. Algorithms developed to predict the effect of missense changes on protein structure and function are either unavailable or do not agree on the potential impact of this missense change (SIFT: "Tolerated"; PolyPhen-2: "Probably Damaging"; Align-GVGD: "Class C0"). This variant has not been reported in the literature in individuals affected with KIF23-related conditions. This variant is present in population databases (rs550720473, gnomAD 0.003%). This sequence change replaces arginine, which is basic and polar, with glutamine, which is neutral and polar, at codon 907 of the KIF23 protein (p.Arg907Gln).